The following is an entry in ClinVar:

ClinVar aggregate classification (germline): Uncertain significance. Review status: criteria provided, multiple submitters, no conflicts (2 of 4 stars). 4 submissions from 4 submitters: Uncertain significance (4). Last evaluated 2026-04-17.

Conditions:
Retinitis pigmentosa (RP). Identifiers: Orphanet 791, MedGen C0035334, MeSH D012174, MONDO:0019200, OMIM 268000. Inheritance: Autosomal dominant, autosomal recessive and X linked inheritance.
PCARE-related disorder. Also called: PCARE-related condition.

Allele frequency attached by ClinVar (database versions not stated): gnomAD 0.00005; gnomAD exomes 0.00006; ExAC 0.00007; TOPMed 0.00007; ESP Exome Variant Server 0.00008.
gnomAD v4.1: 118 of 1,613,928 alleles (0.0073%); highest among the groups gnomAD compares: Non-Finnish European, 0.0091%; no homozygotes.

Submissions (4):

PreventionGenetics, part of Exact Sciences
Classification: Uncertain significance for PCARE-related condition. Last evaluated: 2026-04-17. Review status: criteria provided, single submitter. Criteria: ACMG Guidelines, 2015. Collection method: clinical testing. Allele origin: germline.
Comment: The PCARE c.3605G>A variant is predicted to result in the amino acid substitution p.Arg1202Gln. To our knowledge, this variant has not been reported in the literature. This variant is present in 0.011% of alleles in individuals of European (Non-Finnish) descent in gnomAD. At this time, the clinical significance of this variant is uncertain due to the absence of conclusive functional and genetic evidence.

Blueprint Genetics
Classification: Uncertain significance. Last evaluated: 2022-12-07. Review status: criteria provided, single submitter. Criteria: ACMG Guidelines, 2015. Collection method: clinical testing. Allele origin: germline.

Labcorp Genetics (formerly Invitae), Labcorp
Classification: Uncertain significance. Last evaluated: 2022-08-23. Review status: criteria provided, single submitter. Criteria: Invitae Variant Classification Sherloc (09022015). Collection method: clinical testing. Allele origin: germline.
Comment: This sequence change replaces arginine, which is basic and polar, with glutamine, which is neutral and polar, at codon 1202 of the PCARE protein (p.Arg1202Gln). This variant is present in population databases (rs200071634, gnomAD 0.01%). This variant has not been reported in the literature in individuals affected with PCARE-related conditions. ClinVar contains an entry for this variant (Variation ID: 898962). Algorithms developed to predict the effect of missense changes on protein structure and function output the following: SIFT: "Tolerated"; PolyPhen-2: "Benign"; Align-GVGD: "Class C0". The glutamine amino acid residue is found in multiple mammalian species, which suggests that this missense change does not adversely affect protein function. In summary, the available evidence is currently insufficient to determine the role of this variant in disease. Therefore, it has been classified as a Variant of Uncertain Significance.

Illumina Laboratory Services, Illumina
Classification: Uncertain significance for Retinitis pigmentosa. Last evaluated: 2018-01-13. Review status: criteria provided, single submitter. Criteria: ICSL Variant Classification Criteria 13 December 2019. Collection method: clinical testing. Allele origin: germline.

NM_001029883.3(PCARE):c.3605G>A (p.Arg1202Gln)

Gene: PCARE (photoreceptor cilium actin regulator; minus strand). Cytogenetic location: 2p23.2.
Variant type: single nucleotide variant.
Coding change: c.3605G>A on transcript NM_001029883.3 (MANE Select); coding-DNA position 3605, G replaced by A.
Protein change: p.Arg1202Gln; replaces arginine 1202 with glutamine.
Molecular consequence: missense variant.
Genome position (GRCh38, 1-based): chr2:29,070,657, C>T on the plus strand (G>A on the coding strand, the complement: PCARE is on the minus strand). VCF-style: chr2-29070657-C-T. GRCh37 (hg19) VCF-style: chr2-29293523-C-T.
Other names: short protein forms R1202Q.
Identifiers: ClinVar variation 898962 (VCV000898962.9), dbSNP rs200071634, ClinGen allele CA1591885.